The following is an entry in ClinVar:

NM_001256715.2(DNAAF3):c.134C>G (p.Pro45Arg)

Genes: DNAAF3 (dynein axonemal assembly factor 3; minus strand), DNAAF3-AS1 (DNAAF3 antisense RNA 1; plus strand). Cytogenetic location: 19q13.42.
Variant type: single nucleotide variant.
Coding change: c.134C>G on transcript NM_001256715.2 (MANE Select); coding-DNA position 134, C replaced by G.
Protein change: p.Pro45Arg; replaces proline 45 with arginine.
Molecular consequence: missense variant. On other transcripts: 5 prime UTR variant (1).
Genome position (GRCh38, 1-based): chr19:55,165,952, G>C on the plus strand (C>G on the coding strand, the complement: DNAAF3 is on the minus strand). VCF-style: chr19-55165952-G-C. GRCh37 (hg19) VCF-style: chr19-55677320-G-C.
Other names: c.338C>G, p.Pro113Arg (NM_001256714.1); c.-105C>G (NM_001256716.2); c.275C>G, p.Pro92Arg (NM_178837.4); short protein forms P45R, P92R, P113R.
Identifiers: ClinVar variation 2181130 (VCV002181130.3), dbSNP rs753533801, ClinGen allele CA9668232.

ClinVar aggregate classification (germline): Uncertain significance. Review status: criteria provided, multiple submitters, no conflicts (2 of 4 stars). 2 submissions from 2 submitters: Uncertain significance (2). Last evaluated 2025-11-24.

Conditions:
Primary ciliary dyskinesia. Also called: Ciliary dyskinesia. Identifiers: Orphanet 244, MedGen C0008780, MONDO:0016575, HP:0012265.

Allele frequency attached by ClinVar (database versions not stated): gnomAD 0.00001; ExAC 0.00004.

Submissions (2):

Ambry Genetics
Classification: Uncertain significance for Primary ciliary dyskinesia. Last evaluated: 2025-11-24. Review status: criteria provided, single submitter. Criteria: Ambry Variant Classification Scheme 2023. Collection method: clinical testing. Allele origin: germline.

Labcorp Genetics (formerly Invitae), Labcorp
Classification: Uncertain significance for Primary ciliary dyskinesia. Last evaluated: 2024-08-21. Review status: criteria provided, single submitter. Criteria: Invitae Variant Classification Sherloc (09022015). Collection method: clinical testing. Allele origin: germline.
Comment: This sequence change replaces proline, which is neutral and non-polar, with arginine, which is basic and polar, at codon 113 of the DNAAF3 protein (p.Pro113Arg). This variant is present in population databases (rs753533801, gnomAD 0.04%). This variant has not been reported in the literature in individuals affected with DNAAF3-related conditions. ClinVar contains an entry for this variant (Variation ID: 2181130). An algorithm developed to predict the effect of missense changes on protein structure and function (PolyPhen-2) suggests that this variant is likely to be disruptive. In summary, the available evidence is currently insufficient to determine the role of this variant in disease. Therefore, it has been classified as a Variant of Uncertain Significance.